The following is an entry in ClinVar:

NM_023067.4(FOXL2):c.804del (p.Gly269fs)

Gene: FOXL2 (forkhead box L2; minus strand). Cytogenetic location: 3q22.3.
Variant type: Deletion.
Coding change: c.804del on transcript NM_023067.4 (MANE Select); coding-DNA position 804, one base deleted (C; older notation c.804delC).
Protein change: p.Gly269fs; shifts the reading frame from glycine 269.
Molecular consequence: frameshift variant.
Genome position (GRCh38, 1-based): chr3:138,945,919, G deleted on the plus strand (C on the coding strand, the reverse complement: FOXL2 is on the minus strand); the first of 6 consecutive G bases (chr3:138,945,919-138,945,924); deleting any one gives the same sequence. VCF-style (leftmost placement, unchanged base first): chr3-138945918-CG-C. GRCh37 (hg19) VCF-style: chr3-138664760-CG-C.
Other names: short protein forms G269fs.
Identifiers: ClinVar variation 369930 (VCV000369930.3), dbSNP rs797044528, ClinGen allele CA10654864.

ClinVar aggregate classification (germline): Pathogenic. Review status: criteria provided, multiple submitters, no conflicts (2 of 4 stars). 3 submissions from 3 submitters: Pathogenic (2). 1 of the submissions does not count toward it. Last evaluated 2024-06-28.

Conditions:
FOXL2-related disorders.
Blepharophimosis, ptosis, and epicanthus inversus syndrome. Identifiers: Orphanet 126, MedGen C0220663, MONDO:0007201, OMIM 110100.

Submissions (3):

Blueprint Genetics
Classification: Pathogenic for FOXL2-related disorders. Last evaluated: 2024-06-28. Review status: criteria provided, single submitter. Criteria: ACMG Guidelines, 2015. Collection method: clinical testing. Allele origin: germline. Affected: yes. Observed: 1 variant allele.

Genomic Diagnostic Laboratory, Division of Genomic Diagnostics, Children's Hospital of Philadelphia
Classification: Pathogenic for Blepharophimosis, ptosis, and epicanthus inversus syndrome. Last evaluated: 2016-11-03. Review status: criteria provided, single submitter. Criteria: DGD Variant Analysis Guidelines. Collection method: clinical testing. Allele origin: germline. Affected: yes. Observed: 1 variant allele.
Comment: Clinical Testing

Wessex Regional Genetics Laboratory, Salisbury District Hospital
Classification: Pathogenic for Blepharophimosis, ptosis, and epicanthus inversus syndrome. Last evaluated: 2015-01-01. Review status: no assertion criteria provided. Criteria: ACMG Guidelines, 2015. Collection method: clinical testing. Allele origin: unknown. Inheritance: Autosomal dominant inheritance. Affected: yes. Not counted in ClinVar's aggregate classification.